The following is an entry in ClinVar:

ClinVar aggregate classification (germline): Uncertain significance. Review status: criteria provided, multiple submitters, no conflicts (2 of 4 stars). 2 submissions from 2 submitters: Uncertain significance (2). Last evaluated 2025-01-21.

Conditions:
Hereditary cancer-predisposing syndrome. Also called: Neoplastic Syndromes, Hereditary; Tumor predisposition; Hereditary Cancer Syndrome; Hereditary neoplastic syndrome. Identifiers: Orphanet 140162, MedGen C0027672, MeSH D009386, MONDO:0015356.

Submissions (2):

GeneDx
Classification: Uncertain significance. Last evaluated: 2025-01-21. Review status: criteria provided, single submitter. Criteria: GeneDx Variant Classification Process June 2021. Collection method: clinical testing. Allele origin: germline. Affected: yes.
Comment: Not observed at significant frequency in large population cohorts (gnomAD); In silico analysis supports that this missense variant has a deleterious effect on protein structure/function; Has not been previously published as pathogenic or benign to our knowledge; This variant is associated with the following publications: (PMID: 19296856)

Ambry Genetics
Classification: Uncertain significance for Hereditary cancer-predisposing syndrome. Last evaluated: 2024-11-02. Review status: criteria provided, single submitter. Criteria: Ambry Variant Classification Scheme 2023. Collection method: clinical testing. Allele origin: germline.
Comment: The p.V2206D variant (also known as c.6617T>A), located in coding exon 47 of the POLE gene, results from a T to A substitution at nucleotide position 6617. The valine at codon 2206 is replaced by aspartic acid, an amino acid with highly dissimilar properties. This amino acid position is conserved. In addition, this alteration is predicted to be tolerated by in silico analysis. Based on the available evidence, the clinical significance of this variant remains unclear.

NM_006231.4(POLE):c.6617T>A (p.Val2206Asp)

Gene: POLE (DNA polymerase epsilon, catalytic subunit; minus strand). Cytogenetic location: 12q24.33.
Variant type: single nucleotide variant.
Coding change: c.6617T>A on transcript NM_006231.4 (MANE Select); coding-DNA position 6617, T replaced by A.
Protein change: p.Val2206Asp; replaces valine 2206 with aspartic acid.
Molecular consequence: missense variant.
Genome position (GRCh38, 1-based): chr12:132,625,685, A>T on the plus strand (T>A on the coding strand, the complement: POLE is on the minus strand). VCF-style: chr12-132625685-A-T. GRCh37 (hg19) VCF-style: chr12-133202271-A-T.
Other names: short protein forms V2206D.
Identifiers: ClinVar variation 3422069 (VCV003422069.2).
Genomic context (GRCh38, chr12:132,625,685, plus strand): 5'-AGGCGGCATGCACGACTCACCAGGTCCTGCAGGGTGAAGGCCATCAGCTTCTTCTGTAGA[A>T]CTTCCACCAGCGTCATCTCGATGGCAGAGGAGTCGTAGGGCGCCTGACAGTTGGAGCAGA-3'
Protein context (NP_006222.2, residues 2196-2216): SSAIEMTLVE[Val2206Asp]LQKKLMAFTL